The following is an entry in ClinVar:

NM_002843.4(PTPRJ):c.1495A>G (p.Thr499Ala)

Gene: PTPRJ (protein tyrosine phosphatase receptor type J; plus strand). Cytogenetic location: 11p11.2.
Variant type: single nucleotide variant.
Coding change: c.1495A>G on transcript NM_002843.4 (MANE Select); coding-DNA position 1495, A replaced by G.
Protein change: p.Thr499Ala; replaces threonine 499 with alanine.
Molecular consequence: missense variant.
Genome position (GRCh38, 1-based): chr11:48,130,596, A>G. VCF-style: chr11-48130596-A-G. GRCh37 (hg19) VCF-style: chr11-48152148-A-G.
Other names: c.1495A>G, p.Thr499Ala (NM_001098503.2); short protein forms T499A.
Identifiers: ClinVar variation 3042100 (VCV003042100.2), dbSNP rs114829238, ClinGen allele CA5982197.

ClinVar aggregate classification (germline): Benign (0 of 4 stars; one submission).

Conditions:
PTPRJ-related disorder. Also called: PTPRJ-related condition.

Allele frequency attached by ClinVar (database versions not stated): gnomAD exomes 0.00026; ExAC 0.00092; 1000 Genomes Project 0.00240; 1000 Genomes Project 30x 0.00250; gnomAD 0.00262; ESP Exome Variant Server 0.00269; TOPMed 0.00325.

Submission:

PreventionGenetics, part of Exact Sciences
Classification: Benign for PTPRJ-related condition. Last evaluated: 2019-06-02. Review status: no assertion criteria provided. Collection method: clinical testing. Allele origin: germline.
Comment: This variant is classified as benign based on ACMG/AMP sequence variant interpretation guidelines (Richards et al. 2015 PMID: 25741868, with internal and published modifications).